The following is an entry in ClinVar:

ClinVar aggregate classification (germline): Uncertain significance (1 of 4 stars; one submission).

Conditions:
Atelosteogenesis type II (AO2). Also called: NEONATAL OSSEOUS DYSPLASIA I; SLC26A2-Related Atelosteogenesis; Neonatal osseous dysplasia 1. Identifiers: Orphanet 56304, MedGen C1850554, MONDO:0009727, OMIM 256050.
Achondrogenesis, type IB (ACG1B). Also called: Achondrogenesis Type 1B. Identifiers: Orphanet 932, Orphanet 93298, MedGen C0265274, MONDO:0010966, OMIM 600972.
Diastrophic dysplasia (DTD). Also called: Diastrophic dwarfism. Identifiers: Orphanet 628, MedGen C0220726, MONDO:0009107, OMIM 222600.
Multiple epiphyseal dysplasia type 4 (EDM4). Also called: Multiple Epiphyseal Dysplasia, Recessive; MULTIPLE EPIPHYSEAL DYSPLASIA WITH BILAYERED PATELLAE; MULTIPLE EPIPHYSEAL DYSPLASIA WITH CLUBFOOT; MULTIPLE EPIPHYSEAL DYSPLASIA, AUTOSOMAL RECESSIVE; SLC26A2-Related Multiple Epiphyseal Dysplasia. Identifiers: Orphanet 93307, MedGen C1847593, MONDO:0009189, OMIM 226900.

gnomAD v4.1: 1 of 1,614,168 alleles (0.000062%); highest among the groups gnomAD compares: South Asian, 0.0011%; no homozygotes.

Submission:

Labcorp Genetics (formerly Invitae), Labcorp
Classification: Uncertain significance for Atelosteogenesis type II; Multiple epiphyseal dysplasia type 4; Achondrogenesis, type IB; Diastrophic dysplasia. Last evaluated: 2022-05-22. Review status: criteria provided, single submitter. Criteria: Invitae Variant Classification Sherloc (09022015). Collection method: clinical testing. Allele origin: germline.
Comment: This variant is not present in population databases (gnomAD no frequency). In summary, the available evidence is currently insufficient to determine the role of this variant in disease. Therefore, it has been classified as a Variant of Uncertain Significance. Advanced modeling of protein sequence and biophysical properties (such as structural, functional, and spatial information, amino acid conservation, physicochemical variation, residue mobility, and thermodynamic stability) performed at Invitae indicates that this missense variant is not expected to disrupt SLC26A2 protein function. This variant has not been reported in the literature in individuals affected with SLC26A2-related conditions. This sequence change replaces isoleucine, which is neutral and non-polar, with lysine, which is basic and polar, at codon 539 of the SLC26A2 protein (p.Ile539Lys).

NM_000112.4(SLC26A2):c.1616T>A (p.Ile539Lys)

Gene: SLC26A2 (solute carrier family 26 member 2; plus strand). Cytogenetic location: 5q32.
Variant type: single nucleotide variant.
Coding change: c.1616T>A on transcript NM_000112.4 (MANE Select); coding-DNA position 1616, T replaced by A.
Protein change: p.Ile539Lys; replaces isoleucine 539 with lysine.
Molecular consequence: missense variant.
Genome position (GRCh38, 1-based): chr5:149,981,209, T>A. VCF-style: chr5-149981209-T-A. GRCh37 (hg19) VCF-style: chr5-149360772-T-A.
Other names: short protein forms I539K.
Identifiers: ClinVar variation 1998035 (VCV001998035.4), dbSNP rs1755092949, ClinGen allele CA361708243.